The following is an entry in ClinVar:

NM_000179.3(MSH6):c.3325del (p.Ile1109fs)

Gene: MSH6 (mutS homolog 6; plus strand). Cytogenetic location: 2p16.3.
Variant type: Deletion.
Coding change: c.3325del on transcript NM_000179.3 (MANE Select); coding-DNA position 3325, one base deleted (A; older notation c.3325delA).
Protein change: p.Ile1109fs; shifts the reading frame from isoleucine 1109.
Molecular consequence: frameshift variant. On other transcripts: non-coding transcript variant (5), intron variant (1).
Genome position (GRCh38, 1-based): chr2:47,803,572, A deleted. VCF-style (leftmost placement, unchanged base first): chr2-47803571-TA-T. GRCh37 (hg19) VCF-style: chr2-48030710-TA-T.
Other names: c.2935del, p.Ile979fs (NM_001281492.2); c.2419del, p.Ile807fs (NM_001281493.2, NM_001281494.2, NM_001406811.1 and 6 more transcripts); c.3421del, p.Ile1141fs (NM_001406795.1, NM_001406802.1); c.3325del, p.Ile1109fs (NM_001406796.1, NM_001406800.1, NM_001406808.1 and 1 more transcripts); c.3028del, p.Ile1010fs (NM_001406797.1, NM_001406801.1, NM_001406805.1 and 10 more transcripts); c.2800del, p.Ile934fs (NM_001406799.1, NM_001406806.1, NM_001406807.1); c.2461del, p.Ile821fs (NM_001406803.1); c.3247del, p.Ile1083fs (NM_001406804.1); and 7 more; short protein forms I1053fs, I1083fs, I587fs, I807fs, I821fs, I979fs, I1010fs, I1111fs.
Identifiers: ClinVar variation 4731947 (VCV004731947.1).

ClinVar aggregate classification (germline): Pathogenic (1 of 4 stars; one submission).

Conditions:
Hereditary nonpolyposis colorectal neoplasms. Identifiers: MedGen C0009405, MeSH D003123.

Submission:

Labcorp Genetics (formerly Invitae), Labcorp
Classification: Pathogenic for Hereditary nonpolyposis colorectal neoplasms. Last evaluated: 2025-11-25. Review status: criteria provided, single submitter. Criteria: Invitae Variant Classification Sherloc (09022015). Collection method: clinical testing. Allele origin: germline.
Comment: This sequence change creates a premature translational stop signal (p.Ile1109Phefs*6) in the MSH6 gene. It is expected to result in an absent or disrupted protein product. Loss-of-function variants in MSH6 are known to be pathogenic (PMID: 18269114, 24362816). This variant is not present in population databases (gnomAD no frequency). This variant has not been reported in the literature in individuals affected with MSH6-related conditions. For these reasons, this variant has been classified as Pathogenic.

Literature cited by the submitters: PubMed 18269114; PubMed 24362816.